The following is an entry in ClinVar:

ClinVar aggregate classification (germline): Uncertain significance (1 of 4 stars; one submission).

Allele frequency attached by ClinVar (database versions not stated): gnomAD exomes below 0.00001; TOPMed below 0.00001; ExAC 0.00001.
gnomAD v4.1: 1 of 1,614,018 alleles (0.000062%); highest among the groups gnomAD compares: Non-Finnish European, 0.000085%; no homozygotes.

Submission:

Labcorp Genetics (formerly Invitae), Labcorp
Classification: Uncertain significance. Last evaluated: 2021-11-17. Review status: criteria provided, single submitter. Criteria: Invitae Variant Classification Sherloc (09022015). Collection method: clinical testing. Allele origin: germline.
Comment: In summary, the available evidence is currently insufficient to determine the role of this variant in disease. Therefore, it has been classified as a Variant of Uncertain Significance. Algorithms developed to predict the effect of missense changes on protein structure and function (SIFT, PolyPhen-2, Align-GVGD) all suggest that this variant is likely to be tolerated. ClinVar contains an entry for this variant (Variation ID: 406562). This variant has not been reported in the literature in individuals affected with SLC25A12-related conditions. This variant is present in population databases (rs775253855, gnomAD 0.0009%). This sequence change replaces proline, which is neutral and non-polar, with alanine, which is neutral and non-polar, at codon 425 of the SLC25A12 protein (p.Pro425Ala).

NM_003705.5(SLC25A12):c.1273C>G (p.Pro425Ala)

Gene: SLC25A12 (solute carrier family 25 member 12; minus strand). Cytogenetic location: 2q31.1.
Variant type: single nucleotide variant.
Coding change: c.1273C>G on transcript NM_003705.5 (MANE Select); coding-DNA position 1273, C replaced by G.
Protein change: p.Pro425Ala; replaces proline 425 with alanine.
Molecular consequence: missense variant. On other transcripts: non-coding transcript variant (1).
Genome position (GRCh38, 1-based): chr2:171,809,638, G>C on the plus strand (C>G on the coding strand, the complement: SLC25A12 is on the minus strand). VCF-style: chr2-171809638-G-C. GRCh37 (hg19) VCF-style: chr2-172666148-G-C.
Other names: short protein forms P425A.
Identifiers: ClinVar variation 406562 (VCV000406562.8), dbSNP rs775253855, ClinGen allele CA1966162.